The following is an entry in ClinVar:

NM_001271.4(CHD2):c.3988G>T (p.Ala1330Ser)

Gene: CHD2 (chromodomain helicase DNA binding protein 2; plus strand). Cytogenetic location: 15q26.1.
Variant type: single nucleotide variant.
Coding change: c.3988G>T on transcript NM_001271.4 (MANE Select); coding-DNA position 3988, G replaced by T.
Protein change: p.Ala1330Ser; replaces alanine 1330 with serine.
Molecular consequence: missense variant.
Genome position (GRCh38, 1-based): chr15:92,998,601, G>T. VCF-style: chr15-92998601-G-T. GRCh37 (hg19) VCF-style: chr15-93541831-G-T.
Other names: short protein forms A1330S.
Identifiers: ClinVar variation 1204309 (VCV001204309.3), dbSNP rs1596447856, ClinGen allele CA393899832.
Genomic context (GRCh38, chr15:92,998,601, plus strand): 5'-CTACAGACCCGAGCGGATTACTTGTTGAAGCTGCTCAGAAAGGGTCTGGAGAAGAAGGGG[G>T]CTGTGACAGGTGGGGAAGAGGTGAGTACGCTGCCAGCTGGTTGTTTTTCAGGGGCCTGAG-3'
Protein context (NP_001262.3, residues 1320-1340): LLRKGLEKKG[Ala1330Ser]VTGGEEAKLK

ClinVar aggregate classification (germline): Uncertain significance (1 of 4 stars; one submission).

Allele frequency attached by ClinVar (database versions not stated): gnomAD exomes below 0.00001; gnomAD 0.00001.
gnomAD v4.1: 2 of 1,612,746 alleles (0.00012%); highest among the groups gnomAD compares: African/African-American, 0.0027%; no homozygotes.

Submission:

GeneDx
Classification: Uncertain significance. Last evaluated: 2019-08-23. Review status: criteria provided, single submitter. Criteria: GeneDx Variant Classification Process June 2021. Collection method: clinical testing. Allele origin: germline. Affected: yes.
Comment: Not observed in large population cohorts (Lek et al., 2016); In silico analysis, which includes protein predictors and evolutionary conservation, supports that this variant does not alter protein structure/function; Has not been previously published as pathogenic or benign to our knowledge